The following is an entry in ClinVar:

ClinVar aggregate classification (germline): Uncertain significance (1 of 4 stars; one submission).

Conditions:
Charcot-Marie-Tooth disease type 4. Also called: Charcot-Marie-Tooth, Type 4; Charcot-Marie-Tooth disease, type IV. Identifiers: Orphanet 64749, MedGen C4082197, MONDO:0018995.

gnomAD v4.1: 4 of 1,612,818 alleles (0.00025%); highest among the groups gnomAD compares: Non-Finnish European, 0.00034%; no homozygotes.

Submission:

Labcorp Genetics (formerly Invitae), Labcorp
Classification: Uncertain significance for Charcot-Marie-Tooth disease type 4. Last evaluated: 2023-05-15. Review status: criteria provided, single submitter. Criteria: Invitae Variant Classification Sherloc (09022015). Collection method: clinical testing. Allele origin: germline.
Comment: This variant is present in population databases (rs376530848, gnomAD 0.003%). In summary, the available evidence is currently insufficient to determine the role of this variant in disease. Therefore, it has been classified as a Variant of Uncertain Significance. Advanced modeling of protein sequence and biophysical properties (such as structural, functional, and spatial information, amino acid conservation, physicochemical variation, residue mobility, and thermodynamic stability) performed at Invitae indicates that this missense variant is not expected to disrupt MTMR2 protein function. ClinVar contains an entry for this variant (Variation ID: 933678). This variant has not been reported in the literature in individuals affected with MTMR2-related conditions. This sequence change replaces serine, which is neutral and polar, with threonine, which is neutral and polar, at codon 546 of the MTMR2 protein (p.Ser546Thr).

NM_016156.6(MTMR2):c.1637G>C (p.Ser546Thr)

Gene: MTMR2 (myotubularin related protein 2; minus strand). Cytogenetic location: 11q21.
Variant type: single nucleotide variant.
Coding change: c.1637G>C on transcript NM_016156.6 (MANE Select); coding-DNA position 1637, G replaced by C.
Protein change: p.Ser546Thr; replaces serine 546 with threonine.
Molecular consequence: missense variant.
Genome position (GRCh38, 1-based): chr11:95,836,281, C>G on the plus strand (G>C on the coding strand, the complement: MTMR2 is on the minus strand). VCF-style: chr11-95836281-C-G. GRCh37 (hg19) VCF-style: chr11-95569445-C-G.
Other names: c.1421G>C, p.Ser474Thr (NM_001243571.2, NM_201278.3, NM_201281.3); short protein forms S474T, S546T.
Identifiers: ClinVar variation 933678 (VCV000933678.9), dbSNP rs376530848, ClinGen allele CA6239907.
Genomic context (GRCh38, chr11:95,836,281, plus strand): 5'-GGATAAAGGACATGATTGGAATAGCTCCCATAGAGAGGATTAGTGAAGTCTTCCAGCTGG[C>G]TGTTTATGTAAGACCACAGTGACACAGTCCTTTTAGGAAGATTCTGTAGGCAGGAAAAAT-3'
Protein context (NP_057240.3, residues 536-556): RTVSLWSYIN[Ser546Thr]QLEDFTNPLY